The following is an entry in ClinVar:

NM_004333.6(BRAF):c.1790T>G (p.Leu597Arg)

Gene: BRAF (B-Raf proto-oncogene, serine/threonine kinase; minus strand). Cytogenetic location: 7q34.
Variant type: single nucleotide variant.
Coding change: c.1790T>G on transcript NM_004333.6 (MANE Select); coding-DNA position 1790, T replaced by G.
Protein change: p.Leu597Arg; replaces leucine 597 with arginine.
Molecular consequence: missense variant.
Genome position (GRCh38, 1-based): chr7:140,753,345, A>C on the plus strand (T>G on the coding strand, the complement: BRAF is on the minus strand). VCF-style: chr7-140753345-A-C. GRCh37 (hg19) VCF-style: chr7-140453145-A-C.
Other names: c.1790T>G, p.Leu597Arg (NM_001354609.2, NM_001378468.1, NM_001378474.1); c.1910T>G, p.Leu637Arg (NM_001374244.1, NM_001374258.1); c.1799T>G, p.Leu600Arg (NM_001378467.1); c.1724T>G, p.Leu575Arg (NM_001378469.1); c.1688T>G, p.Leu563Arg (NM_001378470.1); c.1679T>G, p.Leu560Arg (NM_001378471.1); c.1634T>G, p.Leu545Arg (NM_001378472.1, NM_001378473.1); c.1526T>G, p.Leu509Arg (NM_001378475.1); short protein forms L597R, L509R, L545R, L560R, L563R, L575R, L600R, L637R.
Identifiers: ClinVar variation 13968 (VCV000013968.2), dbSNP rs121913366, ClinGen allele CA123649.
Genomic context (GRCh38, chr7:140,753,345, plus strand): 5'-ATGGATCCAGACAACTGTTCAAACTGATGGGACCCACTCCATCGAGATTTCACTGTAGCT[A>C]GACCAAAATCACCTATTTTTACTGTGAGGTCTTCATGAAGAAATATATCTGAGGTGTAGT-3'
Protein context (NP_004324.2, residues 587-607): DLTVKIGDFG[Leu597Arg]ATVKSRWSGS

ClinVar aggregate classification (germline): Pathogenic (0 of 4 stars; one submission).
ClinVar aggregate classification (somatic clinical impact): Tier II - Potential (1 of 4 stars; one submission).

Conditions:
Lung adenocarcinoma. Also called: Adenocarcinoma of lung; Adenocarcinoma of lung, somatic. Identifiers: MedGen C0152013, MeSH D000077192, MONDO:0005061, HP:0030078.
Neuroblastoma (NB). Identifiers: Orphanet 635, MedGen C0027819, MeSH D009447, MONDO:0005072, HP:0003006.

gnomAD v4.1: 1 of 1,612,712 alleles (0.000062%); highest among the groups gnomAD compares: Non-Finnish European, 0.000085%; no homozygotes.

Submissions (2):

Institute for Genomic Medicine (IGM) Clinical Laboratory, Nationwide Children's Hospital
Classification: Tier II - Potential for Neuroblastoma. Assertion type: diagnostic. Clinical significance: supports diagnosis. Last evaluated: 2023-06-02. Review status: criteria provided, single submitter. Criteria: AMP/ASCO/CAP Guidelines, 2017. Collection method: clinical testing. Allele origin: somatic. Affected: yes.
Comment: Variant has Tier II (potential) clinical significance as a diagnostic inclusion criterion in neuroblastoma, based on the following evidence: 1) Documented in one or more cancer databases (e.g., St. Jude Pecan, COSMIC, CIViC, OncoKB). 2) Information in the literature supports potential biologic effect of variant (PMIDs: 26343582, 22798288). 3) Diagnostic significance based on multiple small studies (Evidence Level C; PMIDs: 30115695, 22142829).

OMIM
Classification: Pathogenic for ADENOCARCINOMA OF LUNG, SOMATIC. Last evaluated: 2003-08-15. Review status: no assertion criteria provided. Collection method: literature only. Allele origin: somatic.

Literature cited by the submitters: PubMed 26343582 (cited by Institute for Genomic Medicine (IGM) Clinical Laboratory, Nationwide Children's Hospital); PubMed 22798288 (cited by Institute for Genomic Medicine (IGM) Clinical Laboratory, Nationwide Children's Hospital); PubMed 30115695 (cited by Institute for Genomic Medicine (IGM) Clinical Laboratory, Nationwide Children's Hospital); PubMed 22142829 (cited by Institute for Genomic Medicine (IGM) Clinical Laboratory, Nationwide Children's Hospital); PubMed 12460919 (cited by OMIM); PubMed 12960123 (cited by OMIM).